The following is an entry in ClinVar:

ClinVar aggregate classification (germline): Conflicting classifications of pathogenicity. Review status: criteria provided, conflicting classifications (1 of 4 stars). 7 submissions from 7 submitters: Uncertain significance (6); Likely benign (1). Last evaluated 2025-07-08.

Conditions:
Breast-ovarian cancer, familial, susceptibility to, 3. Also called: RAD51C-Related Breast/Ovarian Cancer. Identifiers: Orphanet 145, MedGen C3150659, MONDO:0013253, OMIM 613399.
Hereditary cancer-predisposing syndrome. Also called: Tumor predisposition; Neoplastic Syndromes, Hereditary; Hereditary Cancer Syndrome; Hereditary neoplastic syndrome. Identifiers: Orphanet 140162, MedGen C0027672, MeSH D009386, MONDO:0015356.
Fanconi anemia complementation group O. Also called: RAD51C-Related Fanconi Anemia. Identifiers: Orphanet 84, MedGen C3150653, MONDO:0013248, OMIM 613390.

Allele frequency attached by ClinVar (database versions not stated): gnomAD exomes 0.00001.

Submissions (7):

Quest Diagnostics Nichols Institute San Juan Capistrano
Classification: Uncertain significance. Last evaluated: 2025-07-08. Review status: criteria provided, single submitter. Criteria: Quest Diagnostics criteria. Collection method: clinical testing. Allele origin: unknown.
Comment: The RAD51C c.121G>A (p.Val41Met) variant has been observed in the published literature in reportedly unaffected individuals (PMID: 36243179 (2022)). The frequency of this variant in the general population (Genome Aggregation Database) is uninformative in the assessment of its pathogenicity. Analysis of this variant using bioinformatics tools for the prediction of the effect of amino acid changes on protein structure and function yielded predictions that this variant is benign. Based on the available information, we are unable to determine the clinical significance of this variant.

Women's Health and Genetics/Laboratory Corporation of America, LabCorp
Classification: Uncertain significance. Last evaluated: 2025-03-21. Review status: criteria provided, single submitter. Criteria: LabCorp Variant Classification Summary - May 2015. Collection method: clinical testing. Allele origin: germline.
Comment: Variant summary: RAD51C c.121G>A (p.Val41Met) results in a conservative amino acid change in the encoded protein sequence. Five of five in-silico tools predict a benign effect of the variant on protein function. The variant allele was found at a frequency of 8e-06 in 251432 control chromosomes (gnomAD). The available data on variant occurrences in the general population are insufficient to allow any conclusion about variant significance. To our knowledge, no occurrence of c.121G>A in individuals affected with Hereditary Breast And Ovarian Cancer Syndrome and no experimental evidence demonstrating its impact on protein function have been reported. The following publication have been ascertained in the context of this evaluation (PMID: 36243179). ClinVar contains an entry for this variant (Variation ID: 492361). Based on the evidence outlined above, the variant was classified as uncertain significance.

Labcorp Genetics (formerly Invitae), Labcorp
Classification: Uncertain significance for Fanconi anemia complementation group O. Last evaluated: 2024-12-13. Review status: criteria provided, single submitter. Criteria: Invitae Variant Classification Sherloc (09022015). Collection method: clinical testing. Allele origin: germline.
Comment: This sequence change replaces valine, which is neutral and non-polar, with methionine, which is neutral and non-polar, at codon 41 of the RAD51C protein (p.Val41Met). This variant is present in population databases (no rsID available, gnomAD 0.006%). This variant has not been reported in the literature in individuals affected with RAD51C-related conditions. ClinVar contains an entry for this variant (Variation ID: 492361). Invitae Evidence Modeling of protein sequence and biophysical properties (such as structural, functional, and spatial information, amino acid conservation, physicochemical variation, residue mobility, and thermodynamic stability) indicates that this missense variant is not expected to disrupt RAD51C protein function with a negative predictive value of 80%. In summary, the available evidence is currently insufficient to determine the role of this variant in disease. Therefore, it has been classified as a Variant of Uncertain Significance.

Ambry Genetics
Classification: Likely benign for Hereditary cancer-predisposing syndrome. Last evaluated: 2024-03-20. Review status: criteria provided, single submitter. Criteria: Ambry Variant Classification Scheme 2023. Collection method: clinical testing. Allele origin: germline.

Color Diagnostics, LLC DBA Color Health
Classification: Uncertain significance for Hereditary cancer-predisposing syndrome. Last evaluated: 2024-03-06. Review status: criteria provided, single submitter. Criteria: ACMG Guidelines, 2015. Collection method: clinical testing. Allele origin: germline.
Comment: This missense variant replaces valine with methionine at codon 41 of the RAD51C protein. Computational prediction suggests that this variant may not impact protein structure and function (internally defined REVEL score threshold <= 0.5, PMID: 27666373). To our knowledge, functional studies have not been reported for this variant. This variant has not been reported in individuals affected with RAD51C-related disorders in the literature. This variant has been identified in 2/251432 chromosomes in the general population by the Genome Aggregation Database (gnomAD). The available evidence is insufficient to determine the role of this variant in disease conclusively. Therefore, this variant is classified as a Variant of Uncertain Significance.

KCCC/NGS Laboratory, Kuwait Cancer Control Center
Classification: Uncertain significance for Breast-ovarian cancer, familial, susceptibility to, 3. Last evaluated: 2023-07-07. Review status: criteria provided, single submitter. Criteria: ACMG Guidelines, 2015. Collection method: clinical testing. Allele origin: unknown. Affected: yes.
Comment: The p.Val41Met variant located in coding exon 1 of the RAD51C gene, results from a G to A substitution at nucleotide position 121. The valine at codon 41 is replaced by methionine, This amino acid position is not conserved (PhyloP=0). This variant not present in our local database nor was it identified in the Genome Aggregation Database The computational analyses (PolyPhen-2, SIFT, MutationTaster) do not suggest a high pathogenic impacts on the protein; however, this information is not predictive enough to rule out pathogenicity. ClinVar has an entry (492361) for this variant reported as uncertain significance from six diffrent diagnostic labs .. Since supporting evidence is limited at this time, this variant is classified as of uncertain significance.

GeneDx
Classification: Uncertain significance. Last evaluated: 2020-01-23. Review status: criteria provided, single submitter. Criteria: GeneDx Variant Classification Process June 2021. Collection method: clinical testing. Allele origin: germline. Affected: yes.
Comment: Not observed at a significant frequency in large population cohorts (Lek 2016); In silico analysis, which includes protein predictors and evolutionary conservation, supports that this variant does not alter protein structure/function; Has not been previously published as pathogenic or benign to our knowledge

Literature cited by the submitters: PubMed 36243179 (cited by Quest Diagnostics Nichols Institute San Juan Capistrano and Women's Health and Genetics/Laboratory Corporation of America, LabCorp).

NM_058216.3(RAD51C):c.121G>A (p.Val41Met)

Gene: RAD51C (RAD51 paralog C; plus strand). Cytogenetic location: 17q22.
Variant type: single nucleotide variant.
Coding change: c.121G>A on transcript NM_058216.3 (MANE Select); coding-DNA position 121, G replaced by A.
Protein change: p.Val41Met; replaces valine 41 with methionine.
Molecular consequence: missense variant. On other transcripts: non-coding transcript variant (1).
Genome position (GRCh38, 1-based): chr17:58,692,764, G>A. VCF-style: chr17-58692764-G-A. GRCh37 (hg19) VCF-style: chr17-56770125-G-A.
Other names: c.121G>A, p.Val41Met (NM_002876.4); short protein forms V41M.
Identifiers: ClinVar variation 492361 (VCV000492361.25), dbSNP rs879254131, ClinGen allele CA400337593.
Genomic context (GRCh38, chr17:58,692,764, plus strand): 5'-CCAGCGGTGCGGGTGAAGCTGGTGTCTGCGGGGTTCCAGACTGCTGAGGAACTCCTAGAG[G>A]TGAAACCCTCCGAGCTTAGCAAAGGTAACGACTCCTGATGGCAAGCTGAGGCACACCGGC-3'
Protein context (NP_478123.1, residues 31-51): GFQTAEELLE[Val41Met]KPSELSKEVG